The following is an entry in ClinVar:

ClinVar aggregate classification (germline): Likely pathogenic (1 of 4 stars; one submission).

Conditions:
Intellectual developmental disorder, autosomal recessive 68. Also called: MENTAL RETARDATION, AUTOSOMAL RECESSIVE 68. Identifiers: MedGen C4749033, MONDO:0032665, OMIM 618302.

Submission:

Neuberg Centre For Genomic Medicine, NCGM
Classification: Likely pathogenic for Intellectual developmental disorder, autosomal recessive 68. Review status: criteria provided, single submitter. Criteria: ACMG Guidelines, 2015. Collection method: clinical testing. Allele origin: germline. Affected: yes.
Comment: The stop gained p.W496* in TRMT1 (NM_017722.4) has not been reported previously as a pathogenic variant nor as a benign variant, to our knowledge. The p.W496* variant is novel (not in any individuals) in gnomAD Exomes and is novel (not in any individuals) in 1000 Genomes. This variant is predicted to cause loss of normal protein function through protein truncation. Loss of function mutations have been reported previously to be disease causing. For these reasons, this variant has been classified as Likely Pathogenic.

NM_001136035.4(TRMT1):c.1487G>A (p.Trp496Ter)

Gene: TRMT1 (tRNA methyltransferase 1; minus strand). Cytogenetic location: 19p13.13.
Variant type: single nucleotide variant.
Coding change: c.1487G>A on transcript NM_001136035.4 (MANE Select); coding-DNA position 1487, G replaced by A.
Protein change: p.Trp496Ter; replaces tryptophan 496 with a stop codon.
Molecular consequence: nonsense.
Genome position (GRCh38, 1-based): chr19:13,107,770, C>T on the plus strand (G>A on the coding strand, the complement: TRMT1 is on the minus strand). VCF-style: chr19-13107770-C-T. GRCh37 (hg19) VCF-style: chr19-13218584-C-T.
Other names: c.1400G>A, p.Trp467Ter (NM_001142554.3, NM_001351760.2); c.1379G>A, p.Trp460Ter (NM_001351761.2); c.704G>A, p.Trp235Ter (NM_001351762.2); c.1487G>A, p.Trp496Ter (NM_017722.5); c.[1487G>A] (NM_017722.5); short protein forms W235*, W460*, W467*, W496*.
Identifiers: ClinVar variation 1339204 (VCV001339204.2), dbSNP rs2145578013, ClinGen allele CA404308949.